The following is an entry in ClinVar:

ClinVar aggregate classification (germline): Conflicting classifications of pathogenicity. Review status: criteria provided, conflicting classifications (1 of 4 stars). 3 submissions from 3 submitters: Uncertain significance (2); Likely benign (1). Last evaluated 2025-06-27.

Conditions:
Nemaline myopathy 2 (NEM2). Also called: Nemaline myopathy 2, autosomal recessive. Identifiers: MedGen C1850569, MONDO:0009725, OMIM 256030.
Inborn genetic diseases. Identifiers: MedGen C0950123, MeSH D030342.

Allele frequency attached by ClinVar (database versions not stated): gnomAD exomes below 0.00001; TOPMed below 0.00001; gnomAD 0.00001; ExAC 0.00005.

Submissions (3):

GeneDx
Classification: Uncertain significance. Last evaluated: 2025-06-27. Review status: criteria provided, single submitter. Criteria: GeneDx Variant Classification Process June 2021. Collection method: clinical testing. Allele origin: germline. Affected: yes.
Comment: In silico analysis suggests that this missense variant does not alter protein structure/function; Has not been previously published as pathogenic or benign to our knowledge

Ambry Genetics
Classification: Uncertain significance for Inborn genetic diseases. Last evaluated: 2025-06-16. Review status: criteria provided, single submitter. Criteria: Ambry Variant Classification Scheme 2023. Collection method: clinical testing. Allele origin: germline.

Labcorp Genetics (formerly Invitae), Labcorp
Classification: Likely benign for Nemaline myopathy 2. Last evaluated: 2024-07-03. Review status: criteria provided, single submitter. Criteria: Invitae Variant Classification Sherloc (09022015). Collection method: clinical testing. Allele origin: germline.

NM_001164508.2(NEB):c.17659G>A (p.Ala5887Thr)

Gene: NEB (nebulin; minus strand). Cytogenetic location: 2q23.3.
Variant type: single nucleotide variant.
Coding change: c.17659G>A on transcript NM_001164508.2 (MANE Select); coding-DNA position 17659, G replaced by A.
Protein change: p.Ala5887Thr; replaces alanine 5887 with threonine.
Molecular consequence: missense variant.
Genome position (GRCh38, 1-based): chr2:151,568,393, C>T on the plus strand (G>A on the coding strand, the complement: NEB is on the minus strand). VCF-style: chr2-151568393-C-T. GRCh37 (hg19) VCF-style: chr2-152424907-C-T.
Other names: c.17659G>A, p.Ala5887Thr (NM_001164507.2, NM_001271208.2); c.12556G>A, p.Ala4186Thr (NM_004543.5); short protein forms A4186T, A5887T.
Identifiers: ClinVar variation 2082214 (VCV002082214.7), dbSNP rs773371108, ClinGen allele CA1908139.